The following is an entry in ClinVar:

ClinVar aggregate classification (germline): Uncertain significance (1 of 4 stars; one submission).

Submission:

Women's Health and Genetics/Laboratory Corporation of America, LabCorp
Classification: Uncertain significance. Last evaluated: 2020-12-23. Review status: criteria provided, single submitter. Criteria: LabCorp Variant Classification Summary - May 2015. Collection method: clinical testing. Allele origin: germline.
Comment: Variant summary: HEXA c.499T>G (p.Phe167Val) results in a non-conservative amino acid change located in the Glycoside hydrolase family 20, catalytic domain (IPR015883) of the encoded protein sequence. Five of five in-silico tools predict a damaging effect of the variant on protein function. The variant was absent in 251210 control chromosomes (gnomAD). The available data on variant occurrences in the general population are insufficient to allow any conclusion about variant significance. To our knowledge, no occurrence of c.499T>G in individuals affected with Tay-Sachs Disease and no experimental evidence demonstrating its impact on protein function have been reported. No clinical diagnostic laboratories have submitted clinical-significance assessments for this variant to ClinVar after 2014. Based on the evidence outlined above, the variant was classified as uncertain significance.

NM_000520.6(HEXA):c.499T>G (p.Phe167Val)

Gene: HEXA (hexosaminidase subunit alpha; minus strand). Cytogenetic location: 15q23.
Variant type: single nucleotide variant.
Coding change: c.499T>G on transcript NM_000520.6 (MANE Select); coding-DNA position 499, T replaced by G.
Protein change: p.Phe167Val; replaces phenylalanine 167 with valine.
Molecular consequence: missense variant. On other transcripts: non-coding transcript variant (1).
Genome position (GRCh38, 1-based): chr15:72,353,139, A>C on the plus strand (T>G on the coding strand, the complement: HEXA is on the minus strand). VCF-style: chr15-72353139-A-C. GRCh37 (hg19) VCF-style: chr15-72645480-A-C.
Other names: c.532T>G, p.Phe178Val (NM_001318825.2); short protein forms F167V, F178V.
Identifiers: ClinVar variation 992196 (VCV000992196.1), dbSNP rs2088724098, ClinGen allele CA393064985.